The following is an entry in ClinVar:

ClinVar aggregate classification (germline): Conflicting classifications of pathogenicity. Review status: criteria provided, conflicting classifications (1 of 4 stars). 4 submissions from 4 submitters: Uncertain significance (1); Likely benign (2). 1 of the submissions does not count toward it. Last evaluated 2025-12-15.

Conditions:
VCAN-related disorder. Also called: VCAN-related condition.
Inborn genetic diseases. Identifiers: MedGen C0950123, MeSH D030342.

Allele frequency attached by ClinVar (database versions not stated): gnomAD exomes 0.00017; ExAC 0.00023; 1000 Genomes Project 0.00040; 1000 Genomes Project 30x 0.00047; gnomAD 0.00064 and 0.00067; TOPMed 0.00081; ESP Exome Variant Server 0.00092.
gnomAD v4.1: 191 of 1,613,938 alleles (0.012%); highest among the groups gnomAD compares: African/African-American, 0.23%; no homozygotes.

Submissions (4):

Labcorp Genetics (formerly Invitae), Labcorp
Classification: Likely benign. Last evaluated: 2025-12-15. Review status: criteria provided, single submitter. Criteria: Invitae Variant Classification Sherloc (09022015). Collection method: clinical testing. Allele origin: germline.

Blueprint Genetics
Classification: Likely benign. Last evaluated: 2024-11-25. Review status: criteria provided, single submitter. Criteria: ACMG Guidelines, 2015. Collection method: clinical testing. Allele origin: germline.

Ambry Genetics
Classification: Uncertain significance for Inborn genetic diseases. Last evaluated: 2022-11-21. Review status: criteria provided, single submitter. Criteria: Ambry Variant Classification Scheme 2023. Collection method: clinical testing. Allele origin: germline.

PreventionGenetics, part of Exact Sciences
Classification: Likely benign for VCAN-related condition. Last evaluated: 2019-11-07. Review status: no assertion criteria provided. Collection method: clinical testing. Allele origin: germline. Not counted in ClinVar's aggregate classification.
Comment: This variant is classified as likely benign based on ACMG/AMP sequence variant interpretation guidelines (Richards et al. 2015 PMID: 25741868, with internal and published modifications).

NM_004385.5(VCAN):c.4381T>A (p.Leu1461Met)

Genes: VCAN (versican; plus strand), VCAN-AS1 (VCAN antisense RNA 1; minus strand). Cytogenetic location: 5q14.3.
Variant type: single nucleotide variant.
Coding change: c.4381T>A on transcript NM_004385.5 (MANE Select); coding-DNA position 4381, T replaced by A.
Protein change: p.Leu1461Met; replaces leucine 1461 with methionine.
Molecular consequence: missense variant. On other transcripts: intron variant (2).
Genome position (GRCh38, 1-based): chr5:83,537,384, T>A. VCF-style: chr5-83537384-T-A. GRCh37 (hg19) VCF-style: chr5-82833203-T-A.
Other names: c.1420T>A, p.Leu474Met (NM_001164097.2); c.4004-8153T>A (NM_001164098.2); c.1043-8153T>A (NM_001126336.3); short protein forms L1461M, L474M.
Identifiers: ClinVar variation 730300 (VCV000730300.15), dbSNP rs139141519, ClinGen allele CA3333165.